The following is an entry in ClinVar:

NM_001111.5(ADAR):c.605A>G (p.Gln202Arg)

Gene: ADAR (adenosine deaminase RNA specific; minus strand). Cytogenetic location: 1q21.3.
Variant type: single nucleotide variant.
Coding change: c.605A>G on transcript NM_001111.5 (MANE Select); coding-DNA position 605, A replaced by G.
Protein change: p.Gln202Arg; replaces glutamine 202 with arginine.
Molecular consequence: missense variant. On other transcripts: 5 prime UTR variant (6).
Genome position (GRCh38, 1-based): chr1:154,602,037, T>C on the plus strand (A>G on the coding strand, the complement: ADAR is on the minus strand). VCF-style: chr1-154602037-T-C. GRCh37 (hg19) VCF-style: chr1-154574513-T-C.
Other names: c.-281A>G (NM_001025107.3, NM_001193495.2, NM_001365046.1 and 3 more transcripts); c.632A>G, p.Gln211Arg (NM_001365045.1); c.605A>G, p.Gln202Arg (NM_015840.4, NM_015841.4); short protein forms Q202R, Q211R.
Identifiers: ClinVar variation 2933574 (VCV002933574.3), dbSNP rs1697915644, ClinGen allele CA342600886.

ClinVar aggregate classification (germline): Uncertain significance (1 of 4 stars; one submission).

Conditions:
Symmetrical dyschromatosis of extremities (DSH). Also called: DYSCHROMATOSIS SYMMETRICA HEREDITARIA 1; RETICULATE ACROPIGMENTATION OF DOHI; SYMMETRIC DYSCHROMATOSIS OF THE EXTREMITIES; Dyschromatosis symmetrica hereditaria. Identifiers: Orphanet 41, MedGen C0406775, MONDO:0007483, OMIM 127400.
Aicardi-Goutieres syndrome 6 (AGS6). Identifiers: Orphanet 51, MedGen C3539013, MONDO:0014007, OMIM 615010.

Allele frequency attached by ClinVar (database versions not stated): gnomAD exomes below 0.00001.
gnomAD v4.1: 3 of 1,614,272 alleles (0.00019%); highest among the groups gnomAD compares: Non-Finnish European, 0.00025%; no homozygotes.

Submission:

Labcorp Genetics (formerly Invitae), Labcorp
Classification: Uncertain significance for Aicardi-Goutieres syndrome 6; Symmetrical dyschromatosis of extremities. Last evaluated: 2023-09-10. Review status: criteria provided, single submitter. Criteria: Invitae Variant Classification Sherloc (09022015). Collection method: clinical testing. Allele origin: germline.
Comment: In summary, the available evidence is currently insufficient to determine the role of this variant in disease. Therefore, it has been classified as a Variant of Uncertain Significance. This sequence change replaces glutamine, which is neutral and polar, with arginine, which is basic and polar, at codon 202 of the ADAR protein (p.Gln202Arg). This variant is not present in population databases (gnomAD no frequency). This variant has not been reported in the literature in individuals affected with ADAR-related conditions. An algorithm developed to predict the effect of missense changes on protein structure and function (PolyPhen-2) suggests that this variant is likely to be tolerated.